The following is an entry in ClinVar:

ClinVar aggregate classification (germline): Uncertain significance (0 of 4 stars; one submission).

Conditions:
GNAS-related disorder. Identifiers: MedGen CN380105.

gnomAD v4.1: 1 of 1,611,070 alleles (0.000062%); highest among the groups gnomAD compares: South Asian, 0.0011%; no homozygotes.

Submission:

PreventionGenetics, part of Exact Sciences
Classification: Uncertain significance for GNAS-related condition. Last evaluated: 2024-07-12. Review status: no assertion criteria provided. Collection method: clinical testing. Allele origin: germline.
Comment: The GNAS c.785G>T variant is predicted to result in the amino acid substitution p.Ser262Ile. To our knowledge, this variant has not been reported in the literature or in a large population database, indicating this variant is rare. At this time, the clinical significance of this variant is uncertain due to the absence of conclusive functional and genetic evidence.

NM_080425.4(GNAS):c.785G>T (p.Ser262Ile)

Gene: GNAS (GNAS complex locus; plus strand). Cytogenetic location: 20q13.32.
Variant type: single nucleotide variant.
Coding change: c.785G>T on transcript NM_080425.4 (MANE Plus Clinical); coding-DNA position 785, G replaced by T.
Protein change: p.Ser262Ile; replaces serine 262 with isoleucine.
Molecular consequence: missense variant. On other transcripts: intron variant (3).
Genome position (GRCh38, 1-based): chr20:58,854,050, G>T. VCF-style: chr20-58854050-G-T. GRCh37 (hg19) VCF-style: chr20-57429105-G-T.
Other names: c.598G>T, p.Val200Leu (NM_001077490.3, NM_001309883.1); c.785G>T, p.Ser262Ile (NM_001410913.1); c.*42+13164G>T (NM_016592.5); c.43+13164G>T (NM_001410912.1); c.-39+12175G>T (NM_001309861.2); short protein forms S262I, V200L.
Identifiers: ClinVar variation 3346321 (VCV003346321.1).